The following is an entry in ClinVar:

NM_000179.3(MSH6):c.628-874C>T

Gene: MSH6 (mutS homolog 6; plus strand). Cytogenetic location: 2p16.3.
Variant type: single nucleotide variant.
Coding change: c.628-874C>T on transcript NM_000179.3 (MANE Select); 874 bases into the intron before coding-DNA position 628, C replaced by T.
Molecular consequence: intron variant.
Genome position (GRCh38, 1-based): chr2:47,797,737, C>T. VCF-style: chr2-47797737-C-T. GRCh37 (hg19) VCF-style: chr2-48024876-C-T.
Other names: c.-279-874C>T (NM_001281493.2); c.238-874C>T (NM_001281492.2); c.-275-878C>T (NM_001281494.2).
Identifiers: ClinVar variation 89544 (VCV000089544.4), dbSNP rs3136329, ClinGen allele CA016041.

ClinVar aggregate classification (germline): Benign. Review status: reviewed by expert panel (3 of 4 stars). 2 submissions from 2 submitters: Benign (1). 1 of the submissions does not count toward it. Last evaluated 2013-09-05.

Conditions:
Lynch syndrome. Identifiers: Orphanet 144, MedGen C4552100, MONDO:0005835. Disease mechanism: loss of function.

Allele frequency attached by ClinVar (database versions not stated): gnomAD exomes 0.61525; gnomAD 0.64557 and 0.64817; TOPMed 0.66636; 1000 Genomes Project 30x 0.73688; 1000 Genomes Project 0.73782.

Submissions (2):

International Society for Gastrointestinal Hereditary Tumours (InSiGHT)
Classification: Benign for Lynch Syndrome. Last evaluated: 2013-09-05. Review status: reviewed by expert panel. Criteria: Guidelines v1.9. Collection method: research. Allele origin: germline.
Comment: MAF >1%

Classified with v1.9 guidelines
ClinVar note: Converted during submission from no known pathogenicity to Benign.

Breakthrough Genomics
Classification: Benign. Review status: criteria provided, single submitter. Criteria: ACMG Guidelines, 2015. Collection method: not provided. Allele origin: germline. Inheritance: Autosomal recessive inheritance. Affected: yes. Not counted in ClinVar's aggregate classification.